The following is an entry in ClinVar:

ClinVar aggregate classification (germline): Uncertain significance (1 of 4 stars; one submission).

Submission:

Mayo Clinic Laboratories, Mayo Clinic
Classification: Uncertain significance. Last evaluated: 2025-06-21. Review status: criteria provided, single submitter. Criteria: ACMG Guidelines, 2015. Collection method: clinical testing. Allele origin: germline. Observed: 1 variant allele.
Comment: BP4_moderate, PM2_supporting

NM_001346754.2(PIGW):c.1325C>T (p.Thr442Ile)

Genes: MYO19 (myosin XIX; minus strand), PIGW (phosphatidylinositol glycan anchor biosynthesis class W; plus strand). Cytogenetic location: 17q12.
Variant type: single nucleotide variant.
Coding change: c.1325C>T on transcript NM_001346754.2 (MANE Select); coding-DNA position 1325, C replaced by T.
Protein change: p.Thr442Ile; replaces threonine 442 with isoleucine.
Molecular consequence: missense variant.
Genome position (GRCh38, 1-based): chr17:36,538,426, C>T. VCF-style: chr17-36538426-C-T. GRCh37 (hg19) VCF-style: chr17-34894275-C-T.
Other names: p.Thr442Ile; c.1325C>T, p.Thr442Ile (NM_001346755.2, NM_178517.5); short protein forms T442I.
Identifiers: ClinVar variation 4542152 (VCV004542152.1).